The following is an entry in ClinVar:

NM_014625.4(NPHS2):c.451+9dup

Gene: NPHS2 (NPHS2 stomatin family member, podocin; minus strand). Cytogenetic location: 1q25.2.
Variant type: Duplication.
Coding change: c.451+9dup on transcript NM_014625.4 (MANE Select); 9 bases into the intron after coding-DNA position 451, one base duplicated (A; older notation c.451+9dupA).
Molecular consequence: intron variant.
Genome position (GRCh38, 1-based): chr1:179,561,280, T duplicated on the plus strand (A on the coding strand, the reverse complement: NPHS2 is on the minus strand); the first of 7 consecutive T bases (chr1:179,561,280-179,561,286); duplicating any one gives the same sequence. VCF-style (leftmost placement, unchanged base first): chr1-179561279-G-GT. GRCh37 (hg19) VCF-style: chr1-179530414-G-GT.
Other names: c.451+9dup (NM_001297575.2, NM_014625.3); c.451+9dupA (NM_014625.2, NM_014625.4).
Identifiers: ClinVar variation 260427 (VCV000260427.18), dbSNP rs542240453, ClinGen allele CA1267223.

ClinVar aggregate classification (germline): Benign/Likely benign. Review status: criteria provided, multiple submitters, no conflicts (2 of 4 stars). 8 submissions from 8 submitters: Benign (3); Likely benign (5). Last evaluated 2026-01-28.

Conditions:
Kidney disorder. Also called: Nephropathy; renal disease; Kidney disease; Kidney Diseases; renal disorder. Identifiers: MedGen C0022658, MONDO:0005240, HP:0000112.
Nephrotic syndrome, type 2 (NPHS2). Also called: NEPHROTIC SYNDROME, STEROID-RESISTANT, AUTOSOMAL RECESSIVE. Identifiers: Orphanet 656, MedGen C1868672, MONDO:0010974, OMIM 600995.

Submissions (8):

Labcorp Genetics (formerly Invitae), Labcorp
Classification: Benign. Last evaluated: 2026-01-28. Review status: criteria provided, single submitter. Criteria: Invitae Variant Classification Sherloc (09022015). Collection method: clinical testing. Allele origin: germline.

Women's Health and Genetics/Laboratory Corporation of America, LabCorp
Classification: Benign. Last evaluated: 2024-12-20. Review status: criteria provided, single submitter. Criteria: LabCorp Variant Classification Summary - May 2015. Collection method: clinical testing. Allele origin: germline.
Comment: Variant summary: NPHS2 c.451+9dupA alters a non-conserved nucleotide located at a position not widely known to affect splicing. Consensus agreement among computation tools predict no significant impact on normal splicing. However, these predictions have yet to be confirmed by functional studies. The variant allele was found at a frequency of 0.00062 in 251324 control chromosomes, predominantly at a frequency of 0.0078 within the African or African-American subpopulation in the gnomAD database. The observed variant frequency within African or African-American control individuals in the gnomAD database is approximately 4.41 fold of the estimated maximal expected allele frequency for a pathogenic variant in NPHS2 causing Nephrotic Syndrome, Type 2 phenotype (0.0018). To our knowledge, no occurrence of c.451+9dupA in individuals affected with Nephrotic Syndrome, Type 2 and no experimental evidence demonstrating its impact on protein function have been reported. ClinVar contains an entry for this variant (Variation ID: 260427). Based on the evidence outlined above, the variant was classified as benign.

Blueprint Genetics
Classification: Likely benign. Last evaluated: 2024-07-17. Review status: criteria provided, single submitter. Criteria: ACMG Guidelines, 2015. Collection method: clinical testing. Allele origin: germline.

Genome-Nilou Lab
Classification: Benign for Nephrotic syndrome, type 2. Last evaluated: 2023-04-11. Review status: criteria provided, single submitter. Criteria: ACMG Guidelines, 2015. Collection method: clinical testing. Allele origin: germline. Affected: no.

Genome Diagnostics Laboratory, The Hospital for Sick Children
Classification: Likely benign for Kidney disorder. Last evaluated: 2021-12-08. Review status: criteria provided, single submitter. Criteria: ACMG Guidelines, 2015. Collection method: clinical testing. Allele origin: germline.

Fulgent Genetics
Classification: Likely benign for Nephrotic syndrome, type 2. Last evaluated: 2021-09-28. Review status: criteria provided, single submitter. Criteria: ACMG Guidelines, 2015. Collection method: clinical testing. Allele origin: unknown.

Athena Diagnostics
Classification: Likely benign. Last evaluated: 2016-12-02. Review status: criteria provided, single submitter. Criteria: Athena Diagnostics Criteria. Collection method: clinical testing. Allele origin: germline.

PreventionGenetics, part of Exact Sciences
Classification: Likely benign. Review status: criteria provided, single submitter. Criteria: ACMG Guidelines, 2015. Collection method: clinical testing. Allele origin: germline.

Literature cited by the submitters: PubMed 15954915 (cited by Athena Diagnostics).